The following is an entry in ClinVar:

NM_001943.5(DSG2):c.794T>A (p.Val265Asp)

Gene: DSG2 (desmoglein 2; plus strand). Cytogenetic location: 18q12.1.
Variant type: single nucleotide variant.
Coding change: c.794T>A on transcript NM_001943.5 (MANE Select); coding-DNA position 794, T replaced by A.
Protein change: p.Val265Asp; replaces valine 265 with aspartic acid.
Molecular consequence: missense variant.
Genome position (GRCh38, 1-based): chr18:31,524,551, T>A. VCF-style: chr18-31524551-T-A. GRCh37 (hg19) VCF-style: chr18-29104514-T-A.
Other names: short protein forms V265D.
Identifiers: ClinVar variation 2795962 (VCV002795962.3), dbSNP rs1050908450, ClinGen allele CA297731928.

ClinVar aggregate classification (germline): Uncertain significance (1 of 4 stars; one submission).

Conditions:
Arrhythmogenic right ventricular dysplasia 10. Also called: Arrhythmogenic right ventricular dysplasia/cardiomyopathy, type 10; Arrhythmogenic Right Ventricular Dysplasia/Cardiomyopathy10; ARRHYTHMOGENIC RIGHT VENTRICULAR DYSPLASIA, FAMILIAL, 10. Identifiers: MedGen C1857777, MONDO:0012434, OMIM 610193.

Submission:

Labcorp Genetics (formerly Invitae), Labcorp
Classification: Uncertain significance for Arrhythmogenic right ventricular dysplasia 10. Last evaluated: 2023-05-19. Review status: criteria provided, single submitter. Criteria: Invitae Variant Classification Sherloc (09022015). Collection method: clinical testing. Allele origin: germline.
Comment: This sequence change replaces valine, which is neutral and non-polar, with aspartic acid, which is acidic and polar, at codon 265 of the DSG2 protein (p.Val265Asp). This variant is not present in population databases (gnomAD no frequency). This variant has not been reported in the literature in individuals affected with DSG2-related conditions. Advanced modeling of protein sequence and biophysical properties (such as structural, functional, and spatial information, amino acid conservation, physicochemical variation, residue mobility, and thermodynamic stability) has been performed at Invitae for this missense variant, however the output from this modeling did not meet the statistical confidence thresholds required to predict the impact of this variant on DSG2 protein function. In summary, the available evidence is currently insufficient to determine the role of this variant in disease. Therefore, it has been classified as a Variant of Uncertain Significance.